The following is an entry in ClinVar:

ClinVar aggregate classification (germline): Uncertain significance. Review status: criteria provided, multiple submitters, no conflicts (2 of 4 stars). 3 submissions from 3 submitters: Uncertain significance (3). Last evaluated 2025-05-06.

Conditions:
O'Donnell-Luria-Rodan syndrome (ODLURO). Also called: KMT2E-Related Neurodevelopmental Disorder. Identifiers: MedGen C5193138, MONDO:0032793, OMIM 618512.

Allele frequency attached by ClinVar (database versions not stated): TOPMed 0.00002.

Submissions (3):

Dasa
Classification: Uncertain significance. Last evaluated: 2025-05-06. Review status: criteria provided, single submitter. Criteria: DASA Assertion Criteria. Collection method: clinical testing. Allele origin: germline.
Comment: NM_182931.3(KMT2E):c.2689A>T (p.Thr897Ser) is a missense variant that results in the substitution of threonine with serine. This variant is absent from population databases. Computational prediction algorithms are consistent with a benign effect. The currently available literature and clinical evidence are not sufficient to establish a definitive association between this variant and the reported condition. Therefore, this variant is classified as a variant of uncertain significance.

Laboratorio de Genetica e Diagnostico Molecular, Hospital Israelita Albert Einstein
Classification: Uncertain significance for O'Donnell-Luria-Rodan syndrome. Last evaluated: 2024-09-27. Review status: criteria provided, single submitter. Criteria: ACMG Guidelines, 2015. Collection method: clinical testing. Allele origin: germline. Affected: yes.
Comment: ACMG classification criteria: PM2 supporting, BP4 supporting

Eurofins Ntd Llc (ga)
Classification: Uncertain significance. Last evaluated: 2017-11-16. Review status: criteria provided, single submitter. Criteria: EGL Classification Definitions 2015. Collection method: clinical testing. Allele origin: germline. Observed: 1 variant allele, 1 heterozygote.

NM_182931.3(KMT2E):c.2689A>T (p.Thr897Ser)

Gene: KMT2E (lysine methyltransferase 2E (inactive); plus strand). Cytogenetic location: 7q22.3.
Variant type: single nucleotide variant.
Coding change: c.2689A>T on transcript NM_182931.3 (MANE Select); coding-DNA position 2689, A replaced by T.
Protein change: p.Thr897Ser; replaces threonine 897 with serine.
Molecular consequence: missense variant.
Genome position (GRCh38, 1-based): chr7:105,106,614, A>T. VCF-style: chr7-105106614-A-T. GRCh37 (hg19) VCF-style: chr7-104747061-A-T.
Other names: c.2689A>T, p.Thr897Ser (NM_018682.4); short protein forms T897S.
Identifiers: ClinVar variation 594990 (VCV000594990.8), dbSNP rs1264677035, ClinGen allele CA368787398.
Genomic context (GRCh38, chr7:105,106,614, plus strand): 5'-TATCAGTTGCTAGATTCGGTTTACTCAGAAACCTCCACACCTACTCCTTCCCCGTATGCT[A>T]CACCAACTCACACCGATATTACTCCTATGGACCCATCTTTTGCCACGCCTCCACGGATAA-3'
Protein context (NP_891847.1, residues 887-907): TSTPTPSPYA[Thr897Ser]PTHTDITPMD